The following is an entry in ClinVar:

ClinVar aggregate classification (germline): Likely benign. Review status: criteria provided, multiple submitters, no conflicts (2 of 4 stars). 2 submissions from 2 submitters: Likely benign (2). Last evaluated 2026-05-01.

Allele frequency attached by ClinVar (database versions not stated): ExAC 0.00001; gnomAD exomes 0.00001.
gnomAD v4.1: 10 of 1,614,088 alleles (0.00062%); highest among the groups gnomAD compares: Non-Finnish European, 0.00085%; no homozygotes.

Submissions (2):

CeGaT Center for Human Genetics Tuebingen
Classification: Likely benign. Last evaluated: 2026-05-01. Review status: criteria provided, single submitter. Criteria: CeGaT Center For Human Genetics Tuebingen Variant Classification Criteria Version 2. Collection method: clinical testing. Allele origin: germline. Affected: yes. Observed: 1 variant allele.
Comment: AARS2: BP4, BP7

Labcorp Genetics (formerly Invitae), Labcorp
Classification: Likely benign. Last evaluated: 2018-07-06. Review status: criteria provided, single submitter. Criteria: Invitae Variant Classification Sherloc (09022015). Collection method: clinical testing. Allele origin: germline.

NM_020745.4(AARS2):c.639G>A (p.Gly213=)

Gene: AARS2 (alanyl-tRNA synthetase 2, mitochondrial; minus strand). Cytogenetic location: 6p21.1.
Variant type: single nucleotide variant.
Coding change: c.639G>A on transcript NM_020745.4 (MANE Select); coding-DNA position 639, G replaced by A.
Protein change: p.Gly213=; no amino-acid change (glycine 213 retained).
Molecular consequence: synonymous variant.
Genome position (GRCh38, 1-based): chr6:44,311,104, C>T on the plus strand (G>A on the coding strand, the complement: AARS2 is on the minus strand). VCF-style: chr6-44311104-C-T. GRCh37 (hg19) VCF-style: chr6-44278841-C-T.
Identifiers: ClinVar variation 757706 (VCV000757706.5), dbSNP rs751373717, ClinGen allele CA3834584.